The following is an entry in ClinVar:

ClinVar aggregate classification (germline): Conflicting classifications of pathogenicity. Review status: criteria provided, conflicting classifications (1 of 4 stars). 5 submissions from 5 submitters: Uncertain significance (1); Benign (1); Likely benign (2). 1 of the submissions does not count toward it. Last evaluated 2026-01-26.

Conditions:
Citrullinemia. Identifiers: Orphanet 187, MedGen C0175683, MONDO:0015991.
Citrullinemia type I (CTNL1). Also called: ASS DEFICIENCY; argininosuccinate synthetase deficiency. Identifiers: Orphanet 247525, MedGen C4721769, MONDO:0008988, OMIM 215700.

Allele frequency attached by ClinVar (database versions not stated): gnomAD exomes 0.00013 and 0.00028; 1000 Genomes Project 30x 0.00031; ExAC 0.00031; 1000 Genomes Project 0.00040; ESP Exome Variant Server 0.00054; gnomAD 0.00084 and 0.00094; TOPMed 0.00098.
gnomAD v4.1: 351 of 1,613,702 alleles (0.022%); highest among the groups gnomAD compares: African/African-American, 0.34%; 2 homozygotes.

Submissions (5):

Labcorp Genetics (formerly Invitae), Labcorp
Classification: Benign for Citrullinemia. Last evaluated: 2026-01-26. Review status: criteria provided, single submitter. Criteria: Invitae Variant Classification Sherloc (09022015). Collection method: clinical testing. Allele origin: germline.

Blueprint Genetics
Classification: Likely benign. Last evaluated: 2024-09-13. Review status: criteria provided, single submitter. Criteria: ACMG Guidelines, 2015. Collection method: clinical testing. Allele origin: germline.

GeneDx
Classification: Likely benign. Last evaluated: 2018-01-30. Review status: criteria provided, single submitter. Criteria: GeneDx Variant Classification (06012015). Collection method: clinical testing. Allele origin: germline. Affected: yes.
Comment: This variant is considered likely benign or benign based on one or more of the following criteria: it is a conservative change, it occurs at a poorly conserved position in the protein, it is predicted to be benign by multiple in silico algorithms, and/or has population frequency not consistent with disease.

Eurofins Ntd Llc (ga)
Classification: Uncertain significance. Last evaluated: 2014-12-29. Review status: criteria provided, single submitter. Criteria: EGL Classification Definitions 2015. Collection method: clinical testing. Allele origin: germline. Observed: 2 variant alleles, 2 heterozygotes.

Natera, Inc.
Classification: Likely benign for Citrullinemia type I. Last evaluated: 2020-04-13. Review status: no assertion criteria provided. Collection method: clinical testing. Allele origin: germline. Not counted in ClinVar's aggregate classification.

NM_054012.4(ASS1):c.1134C>T (p.Asn378=)

Gene: ASS1 (argininosuccinate synthase 1; plus strand). Cytogenetic location: 9q34.11.
Variant type: single nucleotide variant.
Coding change: c.1134C>T on transcript NM_054012.4 (MANE Select); coding-DNA position 1134, C replaced by T.
Protein change: p.Asn378=; no amino-acid change (asparagine 378 retained).
Molecular consequence: synonymous variant.
Genome position (GRCh38, 1-based): chr9:130,499,511, C>T. VCF-style: chr9-130499511-C-T. GRCh37 (hg19) VCF-style: chr9-133374898-C-T.
Other names: c.1134C>T, p.Asn378= (NM_000050.4).
Identifiers: ClinVar variation 194454 (VCV000194454.24), dbSNP rs140715869, ClinGen allele CA240420.